The following is an entry in ClinVar:

ClinVar aggregate classification (germline): Uncertain significance (1 of 4 stars; one submission).

Allele frequency attached by ClinVar (database versions not stated): gnomAD 0.00003; TOPMed 0.00004; gnomAD exomes 0.00007.
gnomAD v4.1: 98 of 1,610,916 alleles (0.0061%); highest among the groups gnomAD compares: Non-Finnish European, 0.0081%; 1 homozygote.

Submission:

Labcorp Genetics (formerly Invitae), Labcorp
Classification: Uncertain significance. Last evaluated: 2026-01-13. Review status: criteria provided, single submitter. Criteria: Invitae Variant Classification Sherloc (09022015). Collection method: clinical testing. Allele origin: germline.
Comment: This sequence change falls in intron 9 of the ANKRD26 gene. It does not directly change the encoded amino acid sequence of the ANKRD26 protein. It affects a nucleotide within the consensus splice site. This variant is present in population databases (no rsID available, gnomAD 0.003%). This variant has not been reported in the literature in individuals affected with ANKRD26-related conditions. ClinVar contains an entry for this variant (Variation ID: 2171432). Variants that disrupt the consensus splice site are a relatively common cause of aberrant splicing (PMID: 17576681, 9536098). Algorithms developed to predict the effect of sequence changes on RNA splicing suggest that this variant is not likely to affect RNA splicing. In summary, the available evidence is currently insufficient to determine the role of this variant in disease. Therefore, it has been classified as a Variant of Uncertain Significance.

Literature cited by the submitters: PubMed 17576681; PubMed 9536098.

NM_014915.3(ANKRD26):c.1077+5G>C

Gene: ANKRD26 (ankyrin repeat domain 26; minus strand). Cytogenetic location: 10p12.1.
Variant type: single nucleotide variant.
Coding change: c.1077+5G>C on transcript NM_014915.3 (MANE Select); 5 bases into the intron after coding-DNA position 1077, G replaced by C.
Molecular consequence: intron variant.
Genome position (GRCh38, 1-based): chr10:27,077,333, C>G on the plus strand (G>C on the coding strand, the complement: ANKRD26 is on the minus strand). VCF-style: chr10-27077333-C-G. GRCh37 (hg19) VCF-style: chr10-27366262-C-G.
Other names: c.1077+5G>C (NM_001256053.2).
Identifiers: ClinVar variation 2171432 (VCV002171432.4), dbSNP rs1210154043, ClinGen allele CA592383727.
Genomic context (GRCh38, chr10:27,077,333, plus strand): 5'-TCATTATGAGGATTGTTGGGGCAGGGGAAGGGTACATGAAAAAAGTTTTTTAAAAAACAA[C>G]TTACCTTCATAAGACCAGGGTTTGCTAACGACTTGTGGGAAGGTTTTGGAAGAAGGTCAG-3'